The following is an entry in ClinVar:

ClinVar aggregate classification (germline): Uncertain significance (1 of 4 stars; one submission).

gnomAD v4.1: 3 of 1,339,116 alleles (0.00022%); highest among the groups gnomAD compares: Non-Finnish European, 0.0002%; no homozygotes.

Submission:

Labcorp Genetics (formerly Invitae), Labcorp
Classification: Uncertain significance. Last evaluated: 2024-05-08. Review status: criteria provided, single submitter. Criteria: Invitae Variant Classification Sherloc (09022015). Collection method: clinical testing. Allele origin: germline.
Comment: This sequence change replaces histidine, which is basic and polar, with arginine, which is basic and polar, at codon 1219 of the ERCC6L2 protein (p.His1219Arg). This variant is not present in population databases (gnomAD no frequency). This variant has not been reported in the literature in individuals affected with ERCC6L2-related conditions. Experimental studies and prediction algorithms are not available or were not evaluated, and the functional significance of this variant is currently unknown. In summary, the available evidence is currently insufficient to determine the role of this variant in disease. Therefore, it has been classified as a Variant of Uncertain Significance.

NM_020207.7(ERCC6L2):c.3623A>G (p.His1208Arg)

Gene: ERCC6L2 (ERCC excision repair 6 like 2; plus strand). Cytogenetic location: 9q22.32.
Variant type: single nucleotide variant.
Coding change: c.3623A>G on transcript NM_020207.7 (MANE Select); coding-DNA position 3623, A replaced by G.
Protein change: p.His1208Arg; replaces histidine 1208 with arginine.
Molecular consequence: missense variant. On other transcripts: non-coding transcript variant (1).
Genome position (GRCh38, 1-based): chr9:96,004,650, A>G. VCF-style: chr9-96004650-A-G. GRCh37 (hg19) VCF-style: chr9-98766932-A-G.
Other names: c.3623A>G, p.His1208Arg (NM_001375291.1, NM_001375292.1); short protein forms H1208R.
Identifiers: ClinVar variation 3689648 (VCV003689648.2).